The following is an entry in ClinVar:

NM_004493.3(HSD17B10):c.192+19C>T

Gene: HSD17B10 (hydroxysteroid 17-beta dehydrogenase 10; minus strand). Cytogenetic location: Xp11.22.
Variant type: single nucleotide variant.
Coding change: c.192+19C>T on transcript NM_004493.3 (MANE Select); 19 bases into the intron after coding-DNA position 192, C replaced by T.
Molecular consequence: intron variant.
Genome position (GRCh38, 1-based): chrX:53,433,703, G>A on the plus strand (C>T on the coding strand, the complement: HSD17B10 is on the minus strand). VCF-style: chrX-53433703-G-A. GRCh37 (hg19) VCF-style: chrX-53460650-G-A.
Other names: c.192+19C>T (NM_001037811.2).
Identifiers: ClinVar variation 514800 (VCV000514800.9), dbSNP rs368358217, ClinGen allele CA10421034.
Genomic context (GRCh38, chrX:53,433,703, plus strand): 5'-GGAGGGACCCCCACAGGTTCCCAGGCCGGTGTTGGTGACCTCATGCACACCCTGGGAGAG[G>A]AGAGGTGACCCCACTTACGTCGGCTGGGGCGAAAACGCAGTTGTTTCCTAACTTCTTGGC-3'

ClinVar aggregate classification (germline): Benign/Likely benign. Review status: criteria provided, multiple submitters, no conflicts (2 of 4 stars). 3 submissions from 3 submitters: Benign (1); Likely benign (2). Last evaluated 2026-01-31.

Allele frequency attached by ClinVar (database versions not stated): TOPMed 0.00026; gnomAD exomes 0.00031 and 0.00048; gnomAD 0.00038 and 0.00039; ExAC 0.00039; ESP Exome Variant Server 0.00047.
gnomAD v4.1: 546 of 1,194,859 alleles (0.046%); highest among the groups gnomAD compares: Non-Finnish European, 0.06%; 1 homozygote.

Submissions (3):

Labcorp Genetics (formerly Invitae), Labcorp
Classification: Benign. Last evaluated: 2026-01-31. Review status: criteria provided, single submitter. Criteria: Invitae Variant Classification Sherloc (09022015). Collection method: clinical testing. Allele origin: germline.

Blueprint Genetics
Classification: Likely benign. Last evaluated: 2024-09-25. Review status: criteria provided, single submitter. Criteria: ACMG Guidelines, 2015. Collection method: clinical testing. Allele origin: germline.

GeneDx
Classification: Likely benign. Last evaluated: 2018-02-05. Review status: criteria provided, single submitter. Criteria: GeneDx Variant Classification (06012015). Collection method: clinical testing. Allele origin: germline. Affected: yes.
Comment: This variant is considered likely benign or benign based on one or more of the following criteria: it is a conservative change, it occurs at a poorly conserved position in the protein, it is predicted to be benign by multiple in silico algorithms, and/or has population frequency not consistent with disease.